The following is an entry in ClinVar:

ClinVar aggregate classification (germline): Uncertain significance (1 of 4 stars; one submission).

Submission:

Labcorp Genetics (formerly Invitae), Labcorp
Classification: Uncertain significance. Last evaluated: 2024-10-08. Review status: criteria provided, single submitter. Criteria: Invitae Variant Classification Sherloc (09022015). Collection method: clinical testing. Allele origin: germline.
Comment: This sequence change replaces glutamic acid, which is acidic and polar, with glycine, which is neutral and non-polar, at codon 790 of the ADGRV1 protein (p.Glu790Gly). This variant is not present in population databases (gnomAD no frequency). This variant has not been reported in the literature in individuals affected with ADGRV1-related conditions. ClinVar contains an entry for this variant (Variation ID: 1037165). An algorithm developed to predict the effect of missense changes on protein structure and function (PolyPhen-2) suggests that this variant is likely to be disruptive. In summary, the available evidence is currently insufficient to determine the role of this variant in disease. Therefore, it has been classified as a Variant of Uncertain Significance.

NM_032119.4(ADGRV1):c.2369A>G (p.Glu790Gly)

Gene: ADGRV1 (adhesion G protein-coupled receptor V1; plus strand). Cytogenetic location: 5q14.3.
Variant type: single nucleotide variant.
Coding change: c.2369A>G on transcript NM_032119.4 (MANE Select); coding-DNA position 2369, A replaced by G.
Protein change: p.Glu790Gly; replaces glutamic acid 790 with glycine.
Molecular consequence: missense variant. On other transcripts: non-coding transcript variant (1).
Genome position (GRCh38, 1-based): chr5:90,642,857, A>G. VCF-style: chr5-90642857-A-G. GRCh37 (hg19) VCF-style: chr5-89938674-A-G.
Other names: short protein forms E790G.
Identifiers: ClinVar variation 1037165 (VCV001037165.8), dbSNP rs1767164099, ClinGen allele CA360387655.